The following is an entry in ClinVar:

NM_003620.4(PPM1D):c.475G>T (p.Glu159Ter)

Gene: PPM1D (protein phosphatase, Mg2+/Mn2+ dependent 1D; plus strand). Cytogenetic location: 17q23.2.
Variant type: single nucleotide variant.
Coding change: c.475G>T on transcript NM_003620.4 (MANE Select); coding-DNA position 475, G replaced by T.
Protein change: p.Glu159Ter; replaces glutamic acid 159 with a stop codon.
Molecular consequence: nonsense.
Genome position (GRCh38, 1-based): chr17:60,623,523, G>T. VCF-style: chr17-60623523-G-T. GRCh37 (hg19) VCF-style: chr17-58700884-G-T.
Other names: short protein forms E159*.
Identifiers: ClinVar variation 5005784 (VCV005005784.2).

ClinVar aggregate classification (germline): Uncertain significance (1 of 4 stars; one submission).

Conditions:
Intellectual developmental disorder with gastrointestinal difficulties and high pain threshold (JDVS). Also called: JANSEN-DE VRIES SYNDROME. Identifiers: Orphanet 653767, MedGen C4479517, MONDO:0044318, OMIM 617450.
Familial cancer of breast. Also called: BREAST CANCER, FAMILIAL; hereditary breast carcinoma; Hereditary breast cancer. Identifiers: Orphanet 227535, MedGen C0346153, MONDO:0016419, OMIM 114480. Disease mechanism: loss of function.

Submission:

Juno Genomics, Hangzhou Juno Genomics, Inc
Classification: Uncertain significance for Intellectual developmental disorder with gastrointestinal difficulties and high pain threshold; Familial cancer of breast. Review status: criteria provided, single submitter. Criteria: ACMG Guidelines, 2015. Collection method: clinical testing. Allele origin: germline.
Comment: Absent from controls (or at extremely low frequency if recessive) in Genome Aggregation Database.